The following is an entry in ClinVar:

NM_001098511.3(KIF2A):c.1112G>C (p.Ser371Thr)

Gene: KIF2A (kinesin family member 2A; plus strand). Cytogenetic location: 5q12.1.
Variant type: single nucleotide variant.
Coding change: c.1112G>C on transcript NM_001098511.3 (MANE Select); coding-DNA position 1112, G replaced by C.
Protein change: p.Ser371Thr; replaces serine 371 with threonine.
Molecular consequence: missense variant.
Genome position (GRCh38, 1-based): chr5:62,362,534, G>C. VCF-style: chr5-62362534-G-C. GRCh37 (hg19) VCF-style: chr5-61658361-G-C.
Other names: c.1031G>C, p.Ser344Thr (NM_001243952.2); c.1055G>C, p.Ser352Thr (NM_001243953.2); c.1112G>C, p.Ser371Thr (NM_004520.5); short protein forms S352T, S344T, S371T.
Identifiers: ClinVar variation 2773011 (VCV002773011.3), dbSNP rs2531354663, ClinGen allele CA359950828.

ClinVar aggregate classification (germline): Uncertain significance (1 of 4 stars; one submission).

Allele frequency attached by ClinVar (database versions not stated): gnomAD exomes below 0.00001.
gnomAD v4.1: 1 of 1,405,594 alleles (0.000071%); highest among the groups gnomAD compares: Non-Finnish European, 0.000093%; no homozygotes.

Submission:

Labcorp Genetics (formerly Invitae), Labcorp
Classification: Uncertain significance. Last evaluated: 2023-05-23. Review status: criteria provided, single submitter. Criteria: Invitae Variant Classification Sherloc (09022015). Collection method: clinical testing. Allele origin: germline.
Comment: In summary, the available evidence is currently insufficient to determine the role of this variant in disease. Therefore, it has been classified as a Variant of Uncertain Significance. An algorithm developed to predict the effect of missense changes on protein structure and function (PolyPhen-2) suggests that this variant is likely to be disruptive. This variant has not been reported in the literature in individuals affected with KIF2A-related conditions. This variant is not present in population databases (gnomAD no frequency). This sequence change replaces serine, which is neutral and polar, with threonine, which is neutral and polar, at codon 371 of the KIF2A protein (p.Ser371Thr).